The following is an entry in ClinVar:

ClinVar aggregate classification (germline): Likely benign (1 of 4 stars; one submission).

gnomAD v4.1: 174 of 1,535,558 alleles (0.011%); highest among the groups gnomAD compares: African/African-American, 0.2%; 2 homozygotes.

Submission:

CeGaT Center for Human Genetics Tuebingen
Classification: Likely benign. Last evaluated: 2026-04-01. Review status: criteria provided, single submitter. Criteria: CeGaT Center For Human Genetics Tuebingen Variant Classification Criteria Version 2. Collection method: clinical testing. Allele origin: germline. Affected: yes. Observed: 1 variant allele.
Comment: PKD1: BP4, BP7

NM_001009944.3(PKD1):c.2322C>T (p.Ala774=)

Gene: PKD1 (polycystin 1, transient receptor potential channel interacting; minus strand). Cytogenetic location: 16p13.3.
Variant type: single nucleotide variant.
Coding change: c.2322C>T on transcript NM_001009944.3 (MANE Select); coding-DNA position 2322, C replaced by T.
Protein change: p.Ala774=; no amino-acid change (alanine 774 retained).
Molecular consequence: synonymous variant.
Genome position (GRCh38, 1-based): chr16:2,114,701, G>A on the plus strand (C>T on the coding strand, the complement: PKD1 is on the minus strand). VCF-style: chr16-2114701-G-A. GRCh37 (hg19) VCF-style: chr16-2164702-G-A.
Other names: c.2322C>T, p.Ala774= (NM_000296.4).
Identifiers: ClinVar variation 4873089 (VCV004873089.2).
Genomic context (GRCh38, chr16:2,114,701, plus strand): 5'-CCCAGGCAGCCGCAGTCCAGGGTTGGGCCTCAAGCCCAGCAGCACGGTGAGCTGTTCCGT[G>A]GCTGCAAGCAGCCGCAGGGCACAGGCAGGGCAGGCCCAAGTGCCCTCCAGCTGGGCTGGC-3'
Protein context (NP_001009944.3, residues 764-784): CPACALRLLA[Ala774=]TEQLTVLLGL